The following is an entry in ClinVar:

ClinVar aggregate classification (germline): Pathogenic. Review status: criteria provided, multiple submitters, no conflicts (2 of 4 stars). 6 submissions from 6 submitters: Pathogenic (5). 1 of the submissions does not count toward it. Last evaluated 2026-02-20.

Conditions:
PLCE1-related disorder. Also called: PLCE1-related condition.
Nephrotic syndrome, type 3 (NPHS3). Also called: NEPHROTIC SYNDROME, EARLY-ONSET, TYPE 3. Identifiers: Orphanet 656, MedGen C1853124, MONDO:0012546, OMIM 610725.

Allele frequency attached by ClinVar (database versions not stated): gnomAD exomes 0.00001; TOPMed 0.00001; ExAC 0.00002.
gnomAD v4.1: 15 of 1,613,922 alleles (0.00093%); highest among the groups gnomAD compares: Middle Eastern, 0.016%; no homozygotes.

Submissions (6):

Dasa
Classification: Pathogenic. Last evaluated: 2026-02-20. Review status: criteria provided, single submitter. Criteria: DASA Assertion Criteria. Collection method: clinical testing. Allele origin: germline.
Comment: NM_016341.4(PLCE1):c.1477C>T (p.Arg493*) introduces a premature termination codon predicted to result in loss of normal protein function. Loss-of-function is an established mechanism of disease for this gene. Segregation evidence has been reported in affected families. This variant has been observed in affected individuals with related phenotype in a genotype context consistent with recessive disease (PMID: 29982877; PMID: 28771251; PMID: 20591883). This variant has been recurrently observed in individuals with related phenotype (PMID: 29982877; PMID: 28771251; PMID: 20591883). The variant is present at low frequency in population datasets. Based on the available data, this variant is classified as pathogenic.

Precision Medicine Center, Zhengzhou University
Classification: Pathogenic for Nephrotic syndrome, type 3. Last evaluated: 2023-12-01. Review status: criteria provided, single submitter. Criteria: ACMG Guidelines, 2015. Collection method: clinical testing. Allele origin: maternal. Affected: yes.
Comment: PVS1,PM2_p,PP4

Dubai Health Genomic Medicine Center, Dubai Health
Classification: Pathogenic. Last evaluated: 2022-12-17. Review status: criteria provided, single submitter. Criteria: ACMG Guidelines, 2015. Collection method: clinical testing. Allele origin: germline. Affected: yes.

Laboratorio de Genetica e Diagnostico Molecular, Hospital Israelita Albert Einstein
Classification: Pathogenic for Nephrotic syndrome, type 3. Last evaluated: 2022-04-25. Review status: criteria provided, single submitter. Criteria: ACMG Guidelines, 2015. Collection method: clinical testing. Allele origin: germline. Affected: yes.
Comment: ACMG classification criteria: PVS1 very strong, PM2 moderated, PM3 supporting

Blueprint Genetics
Classification: Pathogenic for PLCE1-related disorders. Last evaluated: 2020-01-31. Review status: criteria provided, single submitter. Criteria: ACMG Guidelines, 2015. Collection method: clinical testing. Allele origin: germline. Affected: yes. Observed: 1 variant allele.

OMIM
Classification: Pathogenic for NEPHROTIC SYNDROME, TYPE 3. Last evaluated: 2006-12-01. Review status: no assertion criteria provided. Collection method: literature only. Allele origin: germline. Not counted in ClinVar's aggregate classification.

Literature cited by the submitters: PubMed 29982877 (cited by Dasa); PubMed 28771251 (cited by Dasa); PubMed 20591883 (cited by Dasa); PubMed 17086182 (cited by OMIM).

NM_016341.4(PLCE1):c.1477C>T (p.Arg493Ter)

Gene: PLCE1 (phospholipase C epsilon 1; plus strand). Cytogenetic location: 10q23.33.
Variant type: single nucleotide variant.
Coding change: c.1477C>T on transcript NM_016341.4 (MANE Select); coding-DNA position 1477, C replaced by T.
Protein change: p.Arg493Ter; replaces arginine 493 with a stop codon.
Molecular consequence: nonsense.
Genome position (GRCh38, 1-based): chr10:94,132,444, C>T. VCF-style: chr10-94132444-C-T. GRCh37 (hg19) VCF-style: chr10-95892201-C-T.
Other names: c.553C>T, p.Arg185Ter (NM_001165979.2); c.1477C>T, p.Arg493Ter (NM_001288989.2); short protein forms R493*, R185*.
Identifiers: ClinVar variation 2345 (VCV000002345.8), dbSNP rs121912601, ClinGen allele CA115490.
Genomic context (GRCh38, chr10:94,132,444, plus strand): 5'-GCAACCACGTCTTTGGGAGCAAGAAGTGGCCTTCTCAGTACTTTTGGAGGATCCACTGGA[C>T]GAATGATGCTGAAAGGTAATGCCTGAAATTTCACTTTTAACTTTCTATCTTTGACTACAG-3'